The following is an entry in ClinVar:

ClinVar aggregate classification (germline): Likely benign. Review status: criteria provided, multiple submitters, no conflicts (2 of 4 stars). 2 submissions from 2 submitters: Likely benign (2). Last evaluated 2025-09-23.

Conditions:
TMPO-related disorder. Also called: TMPO-related condition.
Loeys-Dietz syndrome 2 (LDS2). Also called: TGFBR2-Related Loeys-Dietz Syndrome; AORTIC ANEURYSM, FAMILIAL THORACIC 3; MARFAN SYNDROME, TYPE II; Marfan syndrome, type 2 (formerly); Marfan Syndrome type 2; Marfan like connective tissue disorder. Identifiers: Orphanet 284973, Orphanet 558, MedGen C2674574, MONDO:0012427, OMIM 610168.

Allele frequency attached by ClinVar (database versions not stated): ExAC 0.00003; gnomAD 0.00003; TOPMed 0.00003; gnomAD exomes 0.00004; ESP Exome Variant Server 0.00008.
gnomAD v4.1: 181 of 1,611,378 alleles (0.011%); highest among the groups gnomAD compares: Non-Finnish European, 0.015%; no homozygotes.

Submissions (2):

Labcorp Genetics (formerly Invitae), Labcorp
Classification: Likely benign for Loeys-Dietz syndrome 2. Last evaluated: 2025-09-23. Review status: criteria provided, single submitter. Criteria: Invitae Variant Classification Sherloc (09022015). Collection method: clinical testing. Allele origin: germline.

PreventionGenetics, part of Exact Sciences
Classification: Likely benign for TMPO-related condition. Last evaluated: 2024-11-15. Review status: criteria provided, single submitter. Criteria: ACMG Guidelines, 2015. Collection method: clinical testing. Allele origin: germline.
Comment: This variant is classified as likely benign based on ACMG/AMP sequence variant interpretation guidelines (Richards et al. 2015 PMID: 25741868, with internal and published modifications).

NM_001032283.3(TMPO):c.565+2504G>A

Gene: TMPO (thymopoietin; plus strand). Cytogenetic location: 12q23.1.
Variant type: single nucleotide variant.
Coding change: c.565+2504G>A on transcript NM_001032283.3 (MANE Select); 2504 bases into the intron after coding-DNA position 565, G replaced by A.
Molecular consequence: intron variant. On other transcripts: synonymous variant (1).
Genome position (GRCh38, 1-based): chr12:98,534,342, G>A. VCF-style: chr12-98534342-G-A. GRCh37 (hg19) VCF-style: chr12-98928120-G-A.
Other names: c.2085G>A, p.Ter695= (NM_003276.2); c.565+2504G>A (NM_001307975.2, NM_001032284.3).
Identifiers: ClinVar variation 1562568 (VCV001562568.9), dbSNP rs145677259, ClinGen allele CA6732535.
Genomic context (GRCh38, chr12:98,534,342, plus strand): 5'-TGGAACATTATTTGGAGGAGAAGTATGCAAAGTAATTAAAAAGCGTGGAAATAAACACTA[G>A]TAAAATTAAGGACAAAAAGACATCTATCTTATCTTTCAGGTACTTTATGCCAACATTTTC-3'